The following is an entry in ClinVar:

ClinVar aggregate classification (germline): Pathogenic (1 of 4 stars; one submission).

Conditions:
Charcot-Marie-Tooth disease type 2E (CMT2E). Also called: CHARCOT-MARIE-TOOTH DISEASE, AXONAL, TYPE 2E; CHARCOT-MARIE-TOOTH NEUROPATHY, TYPE 2E. Identifiers: Orphanet 99939, MedGen C1843225, MONDO:0011894, OMIM 607684.

Submission:

Labcorp Genetics (formerly Invitae), Labcorp
Classification: Pathogenic for Charcot-Marie-Tooth disease type 2E. Last evaluated: 2021-12-15. Review status: criteria provided, single submitter. Criteria: Invitae Variant Classification Sherloc (09022015). Collection method: clinical testing. Allele origin: germline.
Comment: For these reasons, this variant has been classified as Pathogenic. This variant has not been reported in the literature in individuals affected with NEFL-related conditions. This variant is present in population databases (no rsID available, gnomAD 0.003%). This sequence change creates a premature translational stop signal (p.Ser472Leufs*2) in the NEFL gene. It is expected to result in an absent or disrupted protein product. Loss-of-function variants in NEFL are known to be pathogenic (PMID: 19158810, 20039262).

Literature cited by the submitters: PubMed 19158810; PubMed 20039262.

NM_006158.4(NEFL):c.1414=

Gene: NEFL (neurofilament light chain; minus strand). Cytogenetic location: 8p21.2.
Variant type: Variation.
Coding change: c.1414= on transcript NM_006158.4; coding-DNA position 1414, no change from the reference sequence.
Identifiers: ClinVar variation 1984363 (VCV001984363.3).